The following is an entry in ClinVar:

NM_004370.6(COL12A1):c.5458A>C (p.Thr1820Pro)

Gene: COL12A1 (collagen type XII alpha 1 chain; minus strand). Cytogenetic location: 6q13.
Variant type: single nucleotide variant.
Coding change: c.5458A>C on transcript NM_004370.6 (MANE Select); coding-DNA position 5458, A replaced by C.
Protein change: p.Thr1820Pro; replaces threonine 1820 with proline.
Molecular consequence: missense variant.
Genome position (GRCh38, 1-based): chr6:75,134,792, T>G on the plus strand (A>C on the coding strand, the complement: COL12A1 is on the minus strand). VCF-style: chr6-75134792-T-G. GRCh37 (hg19) VCF-style: chr6-75844508-T-G.
Other names: c.1966A>C, p.Thr656Pro (NM_080645.3); short protein forms T1820P, T656P.
Identifiers: ClinVar variation 2132519 (VCV002132519.4), dbSNP rs1461567926, ClinGen allele CA364736294.

ClinVar aggregate classification (germline): Uncertain significance (1 of 4 stars; one submission).

Conditions:
Ullrich congenital muscular dystrophy 2 (UCMD2). Identifiers: Orphanet 75840, MedGen C4225314, MONDO:0014654, OMIM 616470.
Bethlem myopathy 2 (BTHLM2). Identifiers: Orphanet 536516, Orphanet 610, MedGen C4225313, MONDO:0034022, OMIM 616471.

Submission:

Labcorp Genetics (formerly Invitae), Labcorp
Classification: Uncertain significance for Bethlem myopathy 2; Ullrich congenital muscular dystrophy 2. Last evaluated: 2022-07-27. Review status: criteria provided, single submitter. Criteria: Invitae Variant Classification Sherloc (09022015). Collection method: clinical testing. Allele origin: germline.
Comment: In summary, the available evidence is currently insufficient to determine the role of this variant in disease. Therefore, it has been classified as a Variant of Uncertain Significance. Algorithms developed to predict the effect of missense changes on protein structure and function are either unavailable or do not agree on the potential impact of this missense change (SIFT: "Deleterious"; PolyPhen-2: "Benign"; Align-GVGD: "Class C0"). This variant has not been reported in the literature in individuals affected with COL12A1-related conditions. This variant is not present in population databases (gnomAD no frequency). This sequence change replaces threonine, which is neutral and polar, with proline, which is neutral and non-polar, at codon 1820 of the COL12A1 protein (p.Thr1820Pro).